The following is an entry in ClinVar:

NM_001267550.2(TTN):c.48571_48573delinsT (p.Ile16191fs)

Genes: TTN (titin; minus strand), TTN-AS1 (TTN antisense RNA 1; plus strand). Cytogenetic location: 2q31.2.
Variant type: Indel.
Coding change: c.48571_48573delinsT on transcript NM_001267550.2 (MANE Select); coding-DNA positions 48571 to 48573, ATA replaced by T.
Protein change: p.Ile16191fs; shifts the reading frame from isoleucine 16191.
Molecular consequence: frameshift variant. On other transcripts: non-coding transcript variant (1).
Genome position (GRCh38, 1-based): chr2:178,615,372-178,615,374, TAT replaced by A on the plus strand (ATA replaced by T on the coding strand, the reverse complement: TTN is on the minus strand). VCF-style: chr2-178615372-TAT-A. GRCh37 (hg19) VCF-style: chr2-179480099-TAT-A.
Other names: c.43648_43650delinsT, p.Ile14550fs (NM_001256850.1); c.21376_21378delinsT, p.Ile7126fs (NM_003319.4); c.40867_40869delinsT, p.Ile13623fs (NM_133378.4); c.21751_21753delinsT, p.Ile7251fs (NM_133432.3); c.21952_21954delinsT, p.Ile7318fs (NM_133437.4); short protein forms I13623fs, I14550fs, I16191fs, I7126fs, I7251fs, I7318fs.
Identifiers: ClinVar variation 3340517 (VCV003340517.1).

ClinVar aggregate classification (germline): Likely pathogenic (1 of 4 stars; one submission).

Conditions:
Dilated cardiomyopathy 1G (CMD1G). Identifiers: Orphanet 154, MedGen C1858763, MONDO:0011400, OMIM 604145.
Myopathy, myofibrillar, 9, with early respiratory failure (MFM9). Also called: Myopathy, distal, with early respiratory failure, autosomal dominant; Hereditary myopathy with early respiratory failure; EDSTROM MYOPATHY; MYOPATHY, PROXIMAL, WITH EARLY RESPIRATORY MUSCLE INVOLVEMENT. Identifiers: Orphanet 178464, Orphanet 34521, MedGen C1863599, MONDO:0011362, OMIM 603689.
Tibial muscular dystrophy (TMD). Also called: Tibial muscular dystrophy, tardive; UDD MYOPATHY; Udd Distal Myopathy – Tibial Muscular Dystrophy. Identifiers: Orphanet 609, MedGen C1838244, MONDO:0010870, OMIM 600334.
Hypertrophic cardiomyopathy 9. Also called: Familial hypertrophic cardiomyopathy 9. Identifiers: MedGen C1861065, MONDO:0013412, OMIM 613765.

Submission:

Diagnostics Services (NGS), CSIR - Centre For Cellular And Molecular Biology
Classification: Likely pathogenic for Dilated cardiomyopathy 1G; Hypertrophic cardiomyopathy 9; Myopathy, myofibrillar, 9, with early respiratory failure; Tibial muscular dystrophy. Last evaluated: 2024-07-19. Review status: criteria provided, single submitter. Criteria: ACMG Guidelines, 2015. Collection method: clinical testing. Allele origin: unknown. Affected: yes. Observed: 1 variant allele, 1 heterozygote.
Comment: The c.48571_48573delinsT variant is not present in publicly available population databases like 1000 Genomes, EVS, ExAC, gnomAD, Indian Exome Database or our in-house exome database. This variant has neither been published in literature in individuals affected with TTN-related conditions nor reported to clinical databases like ClinVar, Human Gene Mutation Database (HGMD) or OMIM, in any affected individuals. In-silico pathogenicity prediction programs like MutationTaster2, CADD, Varsome, Franklin etc predicted this variant to be likely deleterious. This variant causes frameshift at the 16191th position of the wild-type transcript that creates a premature translational stop-signal at the altered transcript that may either result in translation of a truncated protein or cause nonsense mediated decay of the mRNA.